The following is an entry in ClinVar:

NM_181836.6(TMED7):c.192+6_192+7del

Genes: TMED7 (transmembrane p24 trafficking protein 7; minus strand), TMED7-TICAM2 (TMED7-TICAM2 readthrough; minus strand). Cytogenetic location: 5q22.3.
Variant type: Deletion.
Coding change: c.192+6_192+7del on transcript NM_181836.6 (MANE Select); bases 6 to 7 of the intron after coding-DNA position 192, 2 bases deleted (AG; older notation c.192+6_192+7delAG).
Molecular consequence: intron variant.
Genome position (GRCh38, 1-based): chr5:115,625,594-115,625,595, CT deleted on the plus strand (AG on the coding strand, the reverse complement: TMED7 is on the minus strand). VCF-style (leftmost placement, unchanged base first): chr5-115625593-CCT-C. GRCh37 (hg19) VCF-style: chr5-114961290-CCT-C.
Other names: c.192+6_192+7del (NM_001164468.4, NM_001164469.4).
Identifiers: ClinVar variation 1906986 (VCV001906986.5), dbSNP rs1337881572, ClinGen allele CA802345731.

ClinVar aggregate classification (germline): Uncertain significance (1 of 4 stars; one submission).

Allele frequency attached by ClinVar (database versions not stated): gnomAD exomes below 0.00001; TOPMed below 0.00001; gnomAD 0.00001.

Submission:

Labcorp Genetics (formerly Invitae), Labcorp
Classification: Uncertain significance. Last evaluated: 2022-06-01. Review status: criteria provided, single submitter. Criteria: Invitae Variant Classification Sherloc (09022015). Collection method: clinical testing. Allele origin: germline.
Comment: In summary, the available evidence is currently insufficient to determine the role of this variant in disease. Therefore, it has been classified as a Variant of Uncertain Significance. Variants that disrupt the consensus splice site are a relatively common cause of aberrant splicing (PMID: 17576681, 9536098). Algorithms developed to predict the effect of sequence changes on RNA splicing suggest that this variant is not likely to affect RNA splicing. This variant has not been reported in the literature in individuals affected with TMED7-related conditions. This variant is not present in population databases (gnomAD no frequency). This sequence change falls in intron 1 of the TMED7 gene. It does not directly change the encoded amino acid sequence of the TMED7 protein. It affects a nucleotide within the consensus splice site.

Literature cited by the submitters: PubMed 17576681; PubMed 9536098.